The following is an entry in ClinVar:

ClinVar aggregate classification (germline): Conflicting classifications of pathogenicity. Review status: criteria provided, conflicting classifications (1 of 4 stars). 2 submissions from 2 submitters: Likely pathogenic (1); Uncertain significance (1). Last evaluated 2026-05-01.

Conditions:
DDX3X-related X-linked intellectual disability.

Submissions (2):

CeGaT Center for Human Genetics Tuebingen
Classification: Uncertain significance. Last evaluated: 2026-05-01. Review status: criteria provided, single submitter. Criteria: CeGaT Center For Human Genetics Tuebingen Variant Classification Criteria Version 2. Collection method: clinical testing. Allele origin: germline. Affected: yes. Observed: 1 variant allele.
Comment: DDX3X: PM2, PM5, PP2

Illumina Laboratory Services, Illumina
Classification: Likely pathogenic for DDX3X-related X-linked intellectual disability. Last evaluated: 2021-07-15. Review status: criteria provided, single submitter. Criteria: ICSLVariantClassificationCriteria RUGD 01 April 2020. Collection method: clinical testing. Allele origin: unknown.
Comment: The DDX3X c.1492A>G (p.Thr498Ala) variant is a missense variant. A literature search was performed for the gene, cDNA change, and amino acid change. No publications were found based on this search. A different variant impacting the Thr498 residue, c.1493C>T (p.Thr498Ile), was submitted to ClinVar by a clinical laboratory with a pathogenic interpretation (Landrum et al. 2016). The p.Thr498Ala variant is not found in version 2.1.1 or version 3.1.1 of the Genome Aggregation Database despite its location in a region of good sequencing coverage, which suggest the variant is rare. The Thr498 residue lies within domain 2 (D2) of the helicase core and crystallization trials suggest that it is involved in the recognition of double-stranded RNA (Song et al. 2019; Mo et al. 2021). This variant was identified in a de novo state. Based on the available evidence, the p.Thr498Ala variant is classified as likely pathogenic for DDX3X-related X-linked intellectual disability.

Literature cited by the submitters: PubMed 26582918 (cited by Illumina Laboratory Services, Illumina); PubMed 31300642 (cited by Illumina Laboratory Services, Illumina); PubMed 33627125 (cited by Illumina Laboratory Services, Illumina).

NM_001356.5(DDX3X):c.1492A>G (p.Thr498Ala)

Gene: DDX3X (DEAD-box helicase 3 X-linked; plus strand). Cytogenetic location: Xp11.4.
Variant type: single nucleotide variant.
Coding change: c.1492A>G on transcript NM_001356.5 (MANE Select); coding-DNA position 1492, A replaced by G.
Protein change: p.Thr498Ala; replaces threonine 498 with alanine.
Molecular consequence: missense variant. On other transcripts: non-coding transcript variant (1).
Genome position (GRCh38, 1-based): chrX:41,346,405, A>G. VCF-style: chrX-41346405-A-G. GRCh37 (hg19) VCF-style: chrX-41205658-A-G.
Other names: c.1492A>G, p.Thr498Ala (NM_001193416.3); c.1444A>G, p.Thr482Ala (NM_001193417.3); c.934A>G, p.Thr312Ala (NM_001363819.1); short protein forms T312A, T482A, T498A.
Identifiers: ClinVar variation 1328123 (VCV001328123.6), dbSNP rs2147358745, ClinGen allele CA412775915.